The following is an entry in ClinVar:

ClinVar aggregate classification (germline): Uncertain significance (1 of 4 stars; one submission).

Conditions:
Duchenne muscular dystrophy (DMD). Also called: MUSCULAR DYSTROPHY, PSEUDOHYPERTROPHIC PROGRESSIVE, DUCHENNE TYPE; Duchenne Muscular Dystrophy (DMD). Identifiers: Orphanet 98896, MedGen C0013264, MONDO:0010679, OMIM 310200.

Allele frequency attached by ClinVar (database versions not stated): gnomAD exomes below 0.00001; TOPMed below 0.00001.
gnomAD v4.1: 2 of 1,210,268 alleles (0.00017%); highest among the groups gnomAD compares: Non-Finnish European, 0.00022%; no homozygotes.

Submission:

Labcorp Genetics (formerly Invitae), Labcorp
Classification: Uncertain significance for Duchenne muscular dystrophy. Last evaluated: 2025-10-10. Review status: criteria provided, single submitter. Criteria: Invitae Variant Classification Sherloc (09022015). Collection method: clinical testing. Allele origin: germline.
Comment: This sequence change falls in intron 9 of the DMD gene. It does not directly change the encoded amino acid sequence of the DMD protein. It affects a nucleotide within the consensus splice site. This variant is not present in population databases (gnomAD no frequency). This variant has not been reported in the literature in individuals affected with DMD-related conditions. ClinVar contains an entry for this variant (Variation ID: 2781002). Variants that disrupt the consensus splice site are a relatively common cause of aberrant splicing (PMID: 17576681, 9536098). Algorithms developed to predict the effect of sequence changes on RNA splicing suggest that this variant is not likely to affect RNA splicing. In summary, the available evidence is currently insufficient to determine the role of this variant in disease. Therefore, it has been classified as a Variant of Uncertain Significance.

Literature cited by the submitters: PubMed 17576681; PubMed 9536098.

NM_004006.3(DMD):c.961-3C>T

Gene: DMD (dystrophin; minus strand). Cytogenetic location: Xp21.1.
Variant type: single nucleotide variant.
Coding change: c.961-3C>T on transcript NM_004006.3 (MANE Select); 3 bases into the intron before coding-DNA position 961, C replaced by T.
Molecular consequence: intron variant.
Genome position (GRCh38, 1-based): chrX:32,645,155, G>A on the plus strand (C>T on the coding strand, the complement: DMD is on the minus strand). VCF-style: chrX-32645155-G-A. GRCh37 (hg19) VCF-style: chrX-32663272-G-A.
Other names: c.937-3C>T (NM_000109.4); c.949-3C>T (NM_004009.3); c.592-3C>T (NM_004010.3).
Identifiers: ClinVar variation 2781002 (VCV002781002.3), dbSNP rs2059703054, ClinGen allele CA2422904890.